The following is an entry in ClinVar:

NM_006567.5(FARS2):c.170C>G (p.Ser57Cys)

Genes: FARS2 (phenylalanyl-tRNA synthetase 2, mitochondrial; plus strand), LOC126859565 (CDK7 strongly-dependent group 2 enhancer GRCh37_chr6:5368745-5369944; plus strand). Cytogenetic location: 6p25.1.
Variant type: single nucleotide variant.
Coding change: c.170C>G on transcript NM_006567.5 (MANE Select); coding-DNA position 170, C replaced by G.
Protein change: p.Ser57Cys; replaces serine 57 with cysteine.
Molecular consequence: missense variant. On other transcripts: intron variant (2).
Genome position (GRCh38, 1-based): chr6:5,368,740, C>G. VCF-style: chr6-5368740-C-G. GRCh37 (hg19) VCF-style: chr6-5368973-C-G.
Other names: p.S57C:TCC>TGC; c.170C>G, p.Ser57Cys (NM_001318872.2, NM_001374875.1, NM_001374876.1 and 5 more transcripts); c.-340-27893C>G (NM_001375260.1); c.-84-35802C>G (NM_001375259.1); short protein forms S57C.
Identifiers: ClinVar variation 214327 (VCV000214327.15), dbSNP rs34382405, ClinGen allele CA320525.

ClinVar aggregate classification (germline): Benign/Likely benign. Review status: criteria provided, multiple submitters, no conflicts (2 of 4 stars). 6 submissions from 6 submitters: Benign (4); Likely benign (2). Last evaluated 2026-02-03.

Conditions:
Combined oxidative phosphorylation defect type 14. Also called: Combined oxidative phosphorylation deficiency 14. Identifiers: Orphanet 319519, MedGen C4755312, MONDO:0013986, OMIM 614946.

Allele frequency attached by ClinVar (database versions not stated): gnomAD exomes 0.00083 and 0.00212; ExAC 0.00249; ESP Exome Variant Server 0.00730; gnomAD 0.00761 and 0.00823; 1000 Genomes Project 0.00819; TOPMed 0.00872; 1000 Genomes Project 30x 0.00874.
gnomAD v4.1: 2,436 of 1,614,106 alleles (0.15%); highest among the groups gnomAD compares: African/African-American, 2.5%; 25 homozygotes.

Submissions (6):

Labcorp Genetics (formerly Invitae), Labcorp
Classification: Benign for Combined oxidative phosphorylation defect type 14. Last evaluated: 2026-02-03. Review status: criteria provided, single submitter. Criteria: Invitae Variant Classification Sherloc (09022015). Collection method: clinical testing. Allele origin: germline.

ARUP Laboratories, Molecular Genetics and Genomics, ARUP Laboratories
Classification: Benign. Last evaluated: 2025-01-22. Review status: criteria provided, single submitter. Criteria: ARUP Molecular Germline Variant Investigation Process 2024. Collection method: clinical testing. Allele origin: germline.

Mayo Clinic Laboratories, Mayo Clinic
Classification: Benign. Last evaluated: 2019-06-07. Review status: criteria provided, single submitter. Criteria: ACMG Guidelines, 2015. Collection method: clinical testing. Allele origin: germline. Observed: 7 variant alleles.

Wong Mito Lab, Molecular and Human Genetics, Baylor College of Medicine
Classification: Likely benign for Combined oxidative phosphorylation deficiency 14. Last evaluated: 2018-06-13. Review status: criteria provided, single submitter. Criteria: ACMG Guidelines, 2015. Collection method: clinical testing. Allele origin: germline.

GeneDx
Classification: Benign. Last evaluated: 2014-08-21. Review status: criteria provided, single submitter. Criteria: GeneDx Variant Classification (06012015). Collection method: clinical testing. Allele origin: germline. Affected: yes.
Comment: This variant is considered likely benign or benign based on one or more of the following criteria: it is a conservative change, it occurs at a poorly conserved position in the protein, it is predicted to be benign by multiple in silico algorithms, and/or has population frequency not consistent with disease.

Breakthrough Genomics
Classification: Likely benign. Review status: criteria provided, single submitter. Criteria: ACMG Guidelines, 2015. Collection method: not provided. Allele origin: germline. Inheritance: Autosomal recessive inheritance. Affected: yes.